The following is an entry in ClinVar:

NM_000135.4(FANCA):c.2666C>T (p.Ala889Val)

Genes: FANCA (FA complementation group A; minus strand), LOC130059837 (ATAC-STARR-seq lymphoblastoid active region 11420; plus strand). Cytogenetic location: 16q24.3.
Variant type: single nucleotide variant.
Coding change: c.2666C>T on transcript NM_000135.4 (MANE Select); coding-DNA position 2666, C replaced by T.
Protein change: p.Ala889Val; replaces alanine 889 with valine.
Molecular consequence: missense variant.
Genome position (GRCh38, 1-based): chr16:89,765,002, G>A on the plus strand (C>T on the coding strand, the complement: FANCA is on the minus strand). VCF-style: chr16-89765002-G-A. GRCh37 (hg19) VCF-style: chr16-89831410-G-A.
Other names: c.2666C>T, p.Ala889Val (NM_001286167.3); short protein forms A889V.
Identifiers: ClinVar variation 4870911 (VCV004870911.1).

ClinVar aggregate classification (germline): Uncertain significance (1 of 4 stars; one submission).

Conditions:
Inborn genetic diseases. Identifiers: MedGen C0950123, MeSH D030342.

Submission:

Ambry Genetics
Classification: Uncertain significance for Inborn genetic diseases. Last evaluated: 2026-06-08. Review status: criteria provided, single submitter. Criteria: Ambry Variant Classification Scheme 2023. Collection method: clinical testing. Allele origin: germline.
Comment: The p.A889V variant (also known as c.2666C>T), located in coding exon 28 of the FANCA gene, results from a C to T substitution at nucleotide position 2666. The alanine at codon 889 is replaced by valine, an amino acid with similar properties. This amino acid position is conserved. In addition, this alteration is predicted to be tolerated by in silico analysis. Based on the available evidence, the clinical significance of this variant remains unclear.